The following is an entry in ClinVar:

ClinVar aggregate classification (germline): Uncertain significance (1 of 4 stars; one submission).

Conditions:
Progressive myoclonic epilepsy type 5. Identifiers: Orphanet 402082, MedGen C5190799.

Submission:

Labcorp Genetics (formerly Invitae), Labcorp
Classification: Uncertain significance for Progressive myoclonic epilepsy type 5. Last evaluated: 2017-09-27. Review status: criteria provided, single submitter. Criteria: Invitae Variant Classification Sherloc (09022015). Collection method: clinical testing. Allele origin: germline.
Comment: In summary, the available evidence is currently insufficient to determine the role of this variant in disease. Therefore, it has been classified as a Variant of Uncertain Significance. Algorithms developed to predict the effect of missense changes on protein structure and function do not agree on the potential impact of this missense change (SIFT: "Deleterious"; PolyPhen-2: "Benign"; Align-GVGD: "Class C15"). This variant has not been reported in the literature in individuals with PRICKLE2-related disease. This variant is not present in population databases (ExAC no frequency). This sequence change replaces tyrosine with phenylalanine at codon 182 of the PRICKLE2 protein (p.Tyr182Phe). The tyrosine residue is highly conserved and there is a small physicochemical difference between tyrosine and phenylalanine.

NM_198859.4(PRICKLE2):c.545A>T (p.Tyr182Phe)

Gene: PRICKLE2 (prickle planar cell polarity protein 2; minus strand). Cytogenetic location: 3p14.1.
Variant type: single nucleotide variant.
Coding change: c.545A>T on transcript NM_198859.4 (MANE Select); coding-DNA position 545, A replaced by T.
Protein change: p.Tyr182Phe; replaces tyrosine 182 with phenylalanine.
Molecular consequence: missense variant.
Genome position (GRCh38, 1-based): chr3:64,157,217, T>A on the plus strand (A>T on the coding strand, the complement: PRICKLE2 is on the minus strand). VCF-style: chr3-64157217-T-A. GRCh37 (hg19) VCF-style: chr3-64142893-T-A.
Other names: c.545A>T, p.Tyr182Phe (NM_001370528.1); short protein forms Y182F.
Identifiers: ClinVar variation 544246 (VCV000544246.6), dbSNP rs1553644782, ClinGen allele CA353434955.